The following is an entry in ClinVar:

ClinVar aggregate classification (germline): Uncertain significance. Review status: criteria provided, multiple submitters, no conflicts (2 of 4 stars). 3 submissions from 3 submitters: Uncertain significance (3). Last evaluated 2025-10-28.

Conditions:
Juvenile polyposis syndrome (JPS). Identifiers: Orphanet 2929, MedGen C0345893, MONDO:0017380, OMIM 174900.
Hereditary cancer-predisposing syndrome. Also called: Hereditary Cancer Syndrome; Hereditary neoplastic syndrome; Neoplastic Syndromes, Hereditary; Tumor predisposition. Identifiers: Orphanet 140162, MedGen C0027672, MeSH D009386, MONDO:0015356.

Submissions (3):

Ambry Genetics
Classification: Uncertain significance for Hereditary cancer-predisposing syndrome. Last evaluated: 2025-10-28. Review status: criteria provided, single submitter. Criteria: Ambry Variant Classification Scheme 2023. Collection method: clinical testing. Allele origin: germline.
Comment: The p.T94I variant (also known as c.281C>T), located in coding exon 3 of the BMPR1A gene, results from a C to T substitution at nucleotide position 281. The threonine at codon 94 is replaced by isoleucine, an amino acid with similar properties. This amino acid position is not well conserved in available vertebrate species. In addition, this alteration is predicted to be tolerated by in silico analysis. Based on the available evidence, the clinical significance of this variant remains unclear.

Labcorp Genetics (formerly Invitae), Labcorp
Classification: Uncertain significance for Juvenile polyposis syndrome. Last evaluated: 2024-08-28. Review status: criteria provided, single submitter. Criteria: Invitae Variant Classification Sherloc (09022015). Collection method: clinical testing. Allele origin: germline.
Comment: This sequence change replaces threonine, which is neutral and polar, with isoleucine, which is neutral and non-polar, at codon 94 of the BMPR1A protein (p.Thr94Ile). This variant is not present in population databases (gnomAD no frequency). This variant has not been reported in the literature in individuals affected with BMPR1A-related conditions. ClinVar contains an entry for this variant (Variation ID: 920706). Invitae Evidence Modeling of protein sequence and biophysical properties (such as structural, functional, and spatial information, amino acid conservation, physicochemical variation, residue mobility, and thermodynamic stability) indicates that this missense variant is not expected to disrupt BMPR1A protein function with a negative predictive value of 80%. In summary, the available evidence is currently insufficient to determine the role of this variant in disease. Therefore, it has been classified as a Variant of Uncertain Significance.

Color Diagnostics, LLC DBA Color Health
Classification: Uncertain significance for Hereditary cancer-predisposing syndrome. Last evaluated: 2023-12-04. Review status: criteria provided, single submitter. Criteria: ACMG Guidelines, 2015. Collection method: clinical testing. Allele origin: germline.
Comment: This missense variant replaces threonine with isoleucine at codon 94 of the BMPR1A protein. Computational prediction suggests that this variant may not impact protein structure and function (internally defined REVEL score threshold <= 0.5, PMID: 27666373). To our knowledge, functional studies have not been reported for this variant. This variant has not been reported in individuals affected with BMPR1A-related disorders in the literature. This variant has not been identified in the general population by the Genome Aggregation Database (gnomAD). The available evidence is insufficient to determine the role of this variant in disease conclusively. Therefore, this variant is classified as a Variant of Uncertain Significance.

NM_004329.3(BMPR1A):c.281C>T (p.Thr94Ile)

Gene: BMPR1A (bone morphogenetic protein receptor type 1A; plus strand). Cytogenetic location: 10q23.2.
Variant type: single nucleotide variant.
Coding change: c.281C>T on transcript NM_004329.3 (MANE Select); coding-DNA position 281, C replaced by T.
Protein change: p.Thr94Ile; replaces threonine 94 with isoleucine.
Molecular consequence: missense variant.
Genome position (GRCh38, 1-based): chr10:86,892,177, C>T. VCF-style: chr10-86892177-C-T. GRCh37 (hg19) VCF-style: chr10-88651934-C-T.
Other names: short protein forms T94I.
Identifiers: ClinVar variation 920706 (VCV000920706.10), dbSNP rs1843161052, ClinGen allele CA377448108.